The following is an entry in ClinVar:

ClinVar aggregate classification (germline): Uncertain significance (1 of 4 stars; one submission).

Conditions:
Inborn genetic diseases. Identifiers: MedGen C0950123, MeSH D030342.

Allele frequency attached by ClinVar (database versions not stated): gnomAD exomes below 0.00001; ExAC 0.00001.
gnomAD v4.1: 1 of 1,612,248 alleles (0.000062%); highest among the groups gnomAD compares: Non-Finnish European, 0.000085%; no homozygotes.

Submission:

Ambry Genetics
Classification: Uncertain significance for Inborn genetic diseases. Last evaluated: 2019-09-21. Review status: criteria provided, single submitter. Criteria: Ambry Variant Classification Scheme 2023. Collection method: clinical testing. Allele origin: germline.
Comment: The p.R1181K variant (also known as c.3542G>A), located in coding exon 12 of the NIPBL gene, results from a G to A substitution at nucleotide position 3542. The arginine at codon 1181 is replaced by lysine, an amino acid with highly similar properties. This amino acid position is well conserved in available vertebrate species. In addition, the in silico prediction for this alteration is inconclusive. Since supporting evidence is limited at this time, the clinical significance of this alteration remains unclear.

NM_133433.4(NIPBL):c.3542G>A (p.Arg1181Lys)

Gene: NIPBL (NIPBL cohesin loading factor; plus strand). Cytogenetic location: 5p13.2.
Variant type: single nucleotide variant.
Coding change: c.3542G>A on transcript NM_133433.4 (MANE Select); coding-DNA position 3542, G replaced by A.
Protein change: p.Arg1181Lys; replaces arginine 1181 with lysine.
Molecular consequence: missense variant.
Genome position (GRCh38, 1-based): chr5:37,000,856, G>A. VCF-style: chr5-37000856-G-A. GRCh37 (hg19) VCF-style: chr5-37000958-G-A.
Other names: c.3542G>A, p.Arg1181Lys (NM_015384.5); short protein forms R1181K.
Identifiers: ClinVar variation 1732489 (VCV001732489.2), dbSNP rs776450648, ClinGen allele CA3236364.